The following is an entry in ClinVar:

ClinVar aggregate classification (germline): Uncertain significance (0 of 4 stars; one submission).

Conditions:
IFT74-related disorder. Also called: IFT74-related condition; IFT74-Related Disorders.

gnomAD v4.1: 1 of 1,612,864 alleles (0.000062%); highest among the groups gnomAD compares: African/African-American, 0.0013%; no homozygotes.

Submission:

PreventionGenetics, part of Exact Sciences
Classification: Uncertain significance for IFT74-related condition. Last evaluated: 2024-06-25. Review status: no assertion criteria provided. Collection method: clinical testing. Allele origin: germline.
Comment: The IFT74 c.678C>G variant is predicted to result in the amino acid substitution p.Asn226Lys. To our knowledge, this variant has not been reported in the literature. This variant is reported in 0.011% of alleles in individuals of African descent in gnomAD. At this time, the clinical significance of this variant is uncertain due to the absence of conclusive functional and genetic evidence.

NM_025103.4(IFT74):c.678C>G (p.Asn226Lys)

Gene: IFT74 (intraflagellar transport 74; plus strand). Cytogenetic location: 9p21.2.
Variant type: single nucleotide variant.
Coding change: c.678C>G on transcript NM_025103.4 (MANE Select); coding-DNA position 678, C replaced by G.
Protein change: p.Asn226Lys; replaces asparagine 226 with lysine.
Molecular consequence: missense variant.
Genome position (GRCh38, 1-based): chr9:27,009,110, C>G. VCF-style: chr9-27009110-C-G. GRCh37 (hg19) VCF-style: chr9-27009108-C-G.
Other names: c.678C>G, p.Asn226Lys (NM_001099222.3, NM_001099223.3, NM_001099224.3 and 1 more transcripts); short protein forms N226K.
Identifiers: ClinVar variation 3347531 (VCV003347531.1).